The following is an entry in ClinVar:

NM_000384.3(APOB):c.12177A>G (p.Glu4059=)

Gene: APOB (apolipoprotein B; minus strand). Cytogenetic location: 2p24.1.
Variant type: single nucleotide variant.
Coding change: c.12177A>G on transcript NM_000384.3 (MANE Select); coding-DNA position 12177, A replaced by G.
Protein change: p.Glu4059=; no amino-acid change (glutamic acid 4059 retained).
Molecular consequence: synonymous variant.
Genome position (GRCh38, 1-based): chr2:21,003,245, T>C on the plus strand (A>G on the coding strand, the complement: APOB is on the minus strand). VCF-style: chr2-21003245-T-C. GRCh37 (hg19) VCF-style: chr2-21226117-T-C.
Identifiers: ClinVar variation 3257561 (VCV003257561.17).

ClinVar aggregate classification (germline): Likely benign (1 of 4 stars; one submission).

Submission:

CeGaT Center for Human Genetics Tuebingen
Classification: Likely benign. Last evaluated: 2024-07-01. Review status: criteria provided, single submitter. Criteria: CeGaT Center For Human Genetics Tuebingen Variant Classification Criteria Version 2. Collection method: clinical testing. Allele origin: germline. Affected: yes. Observed: 1 variant allele.
Comment: APOB: PM2:Supporting, BP4, BP7